The following is an entry in ClinVar:

NM_182914.3(SYNE2):c.15872T>C (p.Met5291Thr)

Gene: SYNE2 (spectrin repeat containing nuclear envelope protein 2; plus strand). Cytogenetic location: 14q23.2.
Variant type: single nucleotide variant.
Coding change: c.15872T>C on transcript NM_182914.3 (MANE Select); coding-DNA position 15872, T replaced by C.
Protein change: p.Met5291Thr; replaces methionine 5291 with threonine.
Molecular consequence: missense variant.
Genome position (GRCh38, 1-based): chr14:64,158,704, T>C. VCF-style: chr14-64158704-T-C. GRCh37 (hg19) VCF-style: chr14-64625422-T-C.
Other names: c.15872T>C, p.Met5291Thr (NM_015180.6); short protein forms M5291T.
Identifiers: ClinVar variation 1356176 (VCV001356176.6), dbSNP rs776578358, ClinGen allele CA7223210.

ClinVar aggregate classification (germline): Uncertain significance (1 of 4 stars; one submission).

Conditions:
Emery-Dreifuss muscular dystrophy 5, autosomal dominant (EDMD5). Also called: EMERY-DREIFUSS MUSCULAR DYSTROPHY 5. Identifiers: Orphanet 261, MedGen C2751805, MONDO:0013072, OMIM 612999.

Allele frequency attached by ClinVar (database versions not stated): TOPMed below 0.00001; ExAC 0.00001; gnomAD exomes 0.00001.
gnomAD v4.1: 8 of 1,614,002 alleles (0.0005%); highest among the groups gnomAD compares: South Asian, 0.0077%; no homozygotes.

Submission:

Labcorp Genetics (formerly Invitae), Labcorp
Classification: Uncertain significance for Emery-Dreifuss muscular dystrophy 5, autosomal dominant. Last evaluated: 2021-10-31. Review status: criteria provided, single submitter. Criteria: Invitae Variant Classification Sherloc (09022015). Collection method: clinical testing. Allele origin: germline.
Comment: This sequence change replaces methionine, which is neutral and non-polar, with threonine, which is neutral and polar, at codon 5291 of the SYNE2 protein (p.Met5291Thr). This variant is present in population databases (rs776578358, gnomAD 0.006%). This variant has not been reported in the literature in individuals affected with SYNE2-related conditions. Algorithms developed to predict the effect of missense changes on protein structure and function output the following: SIFT: "Tolerated"; PolyPhen-2: "Benign"; Align-GVGD: "Class C0". The threonine amino acid residue is found in multiple mammalian species, which suggests that this missense change does not adversely affect protein function. In summary, the available evidence is currently insufficient to determine the role of this variant in disease. Therefore, it has been classified as a Variant of Uncertain Significance.